The following is an entry in ClinVar:

ClinVar aggregate classification (germline): Uncertain significance (1 of 4 stars; one submission).

Conditions:
3-methylcrotonyl-CoA carboxylase 1 deficiency (MCC1D). Also called: MCC 1 deficiency; 3 Alpha methylcrotonylglycinuria 1; MCCD TYPE 1; METHYLCROTONYLGLYCINURIA TYPE I. Identifiers: Orphanet 6, MedGen CN028786, MONDO:0008861, OMIM 210200.

Allele frequency attached by ClinVar (database versions not stated): gnomAD exomes below 0.00001; ExAC 0.00004.
gnomAD v4.1: 2 of 1,603,590 alleles (0.00012%); highest among the groups gnomAD compares: Admixed American, 0.0034%; no homozygotes.

Submission:

Labcorp Genetics (formerly Invitae), Labcorp
Classification: Uncertain significance for 3-methylcrotonyl-CoA carboxylase 1 deficiency. Last evaluated: 2022-07-05. Review status: criteria provided, single submitter. Criteria: Invitae Variant Classification Sherloc (09022015). Collection method: clinical testing. Allele origin: germline.
Comment: In summary, the available evidence is currently insufficient to determine the role of this variant in disease. Therefore, it has been classified as a Variant of Uncertain Significance. Algorithms developed to predict the effect of missense changes on protein structure and function output the following: SIFT: "Tolerated"; PolyPhen-2: "Benign"; Align-GVGD: "Class C0". The arginine amino acid residue is found in multiple mammalian species, which suggests that this missense change does not adversely affect protein function. ClinVar contains an entry for this variant (Variation ID: 1420964). This variant has not been reported in the literature in individuals affected with MCCC1-related conditions. This variant is present in population databases (rs751663186, gnomAD 0.006%). This sequence change replaces histidine, which is basic and polar, with arginine, which is basic and polar, at codon 20 of the MCCC1 protein (p.His20Arg).

NM_020166.5(MCCC1):c.59A>G (p.His20Arg)

Gene: MCCC1 (methylcrotonyl-CoA carboxylase subunit 1; minus strand). Cytogenetic location: 3q27.1.
Variant type: single nucleotide variant.
Coding change: c.59A>G on transcript NM_020166.5 (MANE Select); coding-DNA position 59, A replaced by G.
Protein change: p.His20Arg; replaces histidine 20 with arginine.
Molecular consequence: missense variant. On other transcripts: 5 prime UTR variant (2), non-coding transcript variant (1).
Genome position (GRCh38, 1-based): chr3:183,099,382, T>C on the plus strand (A>G on the coding strand, the complement: MCCC1 is on the minus strand). VCF-style: chr3-183099382-T-C. GRCh37 (hg19) VCF-style: chr3-182817170-T-C.
Other names: c.-34A>G (NM_001293273.2); c.-132A>G (NM_001363880.1); short protein forms H20R.
Identifiers: ClinVar variation 1420964 (VCV001420964.6), dbSNP rs751663186, ClinGen allele CA2719239.